The following is an entry in ClinVar:

NM_001211.6(BUB1B):c.1834G>A (p.Ala612Thr)

Gene: BUB1B (BUB1 mitotic checkpoint serine/threonine kinase B; plus strand). Cytogenetic location: 15q15.1.
Variant type: single nucleotide variant.
Coding change: c.1834G>A on transcript NM_001211.6 (MANE Select); coding-DNA position 1834, G replaced by A.
Protein change: p.Ala612Thr; replaces alanine 612 with threonine.
Molecular consequence: missense variant.
Genome position (GRCh38, 1-based): chr15:40,206,283, G>A. VCF-style: chr15-40206283-G-A. GRCh37 (hg19) VCF-style: chr15-40498484-G-A.
Other names: short protein forms A612T.
Identifiers: ClinVar variation 1781017 (VCV001781017.3), dbSNP rs745336330, ClinGen allele CA7475892.
Genomic context (GRCh38, chr15:40,206,283, plus strand): 5'-ATTATCACAGGCTTCAGAAATGTAACAATTTGTCCTAACCCAGAAGACACTTGTGACTTT[G>A]CCAGAGCAGCTCGTTTTGTATCCACTCCTTTTCATGAGATAATGTCCTTGAAGGATCTCC-3'
Protein context (NP_001202.5, residues 602-622): CPNPEDTCDF[Ala612Thr]RAARFVSTPF

ClinVar aggregate classification (germline): Uncertain significance. Review status: criteria provided, multiple submitters, no conflicts (2 of 4 stars). 2 submissions from 2 submitters: Uncertain significance (2). Last evaluated 2024-09-23.

Conditions:
Inborn genetic diseases. Identifiers: MedGen C0950123, MeSH D030342.

Allele frequency attached by ClinVar (database versions not stated): gnomAD exomes below 0.00001; ExAC 0.00001.
gnomAD v4.1: 2 of 1,614,150 alleles (0.00012%); highest among the groups gnomAD compares: Non-Finnish European, 0.00017%; no homozygotes.

Submissions (2):

Women's Health and Genetics/Laboratory Corporation of America, LabCorp
Classification: Uncertain significance. Last evaluated: 2024-09-23. Review status: criteria provided, single submitter. Criteria: LabCorp Variant Classification Summary - May 2015. Collection method: clinical testing. Allele origin: germline.
Comment: Variant summary: BUB1B c.1834G>A (p.Ala612Thr) results in a non-conservative amino acid change in the encoded protein sequence. Four of five in-silico tools predict a benign effect of the variant on protein function. The variant allele was found at a frequency of 4e-06 in 251470 control chromosomes. The available data on variant occurrences in the general population are insufficient to allow any conclusion about variant significance. To our knowledge, no occurrence of c.1834G>A in individuals affected with Mosaic Variegated Aneuploidy Syndrome 1 and no experimental evidence demonstrating its impact on protein function have been reported. ClinVar contains an entry for this variant (Variation ID: 1781017). Based on the evidence outlined above, the variant was classified as uncertain significance.

Ambry Genetics
Classification: Uncertain significance for Inborn genetic diseases. Last evaluated: 2022-02-07. Review status: criteria provided, single submitter. Criteria: Ambry Variant Classification Scheme 2023. Collection method: clinical testing. Allele origin: germline.
Comment: The p.A612T variant (also known as c.1834G>A), located in coding exon 15 of the BUB1B gene, results from a G to A substitution at nucleotide position 1834. The alanine at codon 612 is replaced by threonine, an amino acid with similar properties. This amino acid position is conserved. In addition, this alteration is predicted to be tolerated by in silico analysis. Since supporting evidence is limited at this time, the clinical significance of this alteration remains unclear.